The following is an entry in ClinVar:

NM_000271.5(NPC1):c.3106A>T (p.Thr1036Ser)

Gene: NPC1 (NPC intracellular cholesterol transporter 1; minus strand). Cytogenetic location: 18q11.2.
Variant type: single nucleotide variant.
Coding change: c.3106A>T on transcript NM_000271.5 (MANE Select); coding-DNA position 3106, A replaced by T.
Protein change: p.Thr1036Ser; replaces threonine 1036 with serine.
Molecular consequence: missense variant.
Genome position (GRCh38, 1-based): chr18:23,536,812, T>A on the plus strand (A>T on the coding strand, the complement: NPC1 is on the minus strand). VCF-style: chr18-23536812-T-A. GRCh37 (hg19) VCF-style: chr18-21116776-T-A.
Other names: short protein forms T1036S.
Identifiers: ClinVar variation 2054565 (VCV002054565.4), dbSNP rs2511197628, ClinGen allele CA401791929.

ClinVar aggregate classification (germline): Likely pathogenic (1 of 4 stars; one submission).

Conditions:
Niemann-Pick disease, type C1. Also called: NIEMANN-PICK DISEASE, VARIANT TYPE C1; NEUROVISCERAL STORAGE DISEASE WITH VERTICAL SUPRANUCLEAR OPHTHALMOPLEGIA; NIEMANN-PICK DISEASE WITH CHOLESTEROL ESTERIFICATION BLOCK; NIEMANN-PICK DISEASE WITHOUT SPHINGOMYELINASE DEFICIENCY; NIEMANN-PICK DISEASE, CHRONIC NEURONOPATHIC FORM. Identifiers: Orphanet 646, MedGen C3179455, MONDO:0009757, OMIM 257220.

Submission:

Labcorp Genetics (formerly Invitae), Labcorp
Classification: Likely pathogenic for Niemann-Pick disease, type C1. Last evaluated: 2022-07-19. Review status: criteria provided, single submitter. Criteria: Invitae Variant Classification Sherloc (09022015). Collection method: clinical testing. Allele origin: germline.
Comment: In summary, the currently available evidence indicates that the variant is pathogenic, but additional data are needed to prove that conclusively. Therefore, this variant has been classified as Likely Pathogenic. This variant disrupts the p.Thr1036 amino acid residue in NPC1. Other variant(s) that disrupt this residue have been determined to be pathogenic (PMID: 9211849, 12955717, 17160617, 26666848; Invitae). This suggests that this residue is clinically significant, and that variants that disrupt this residue are likely to be disease-causing. Advanced modeling of protein sequence and biophysical properties (such as structural, functional, and spatial information, amino acid conservation, physicochemical variation, residue mobility, and thermodynamic stability) performed at Invitae indicates that this missense variant is expected to disrupt NPC1 protein function. This variant has not been reported in the literature in individuals affected with NPC1-related conditions. This variant is not present in population databases (gnomAD no frequency). This sequence change replaces threonine, which is neutral and polar, with serine, which is neutral and polar, at codon 1036 of the NPC1 protein (p.Thr1036Ser).

Literature cited by the submitters: PubMed 9211849; PubMed 12955717; PubMed 17160617; PubMed 26666848.